The following is an entry in ClinVar:

ClinVar aggregate classification (germline): Uncertain significance (1 of 4 stars; one submission).

gnomAD v4.1: 2 of 1,530,448 alleles (0.00013%); highest among the groups gnomAD compares: Non-Finnish European, 0.000088%; no homozygotes.

Submission:

OLLIN Analises Genomicas, OLLIN
Classification: Uncertain significance. Last evaluated: 2026-08-06. Review status: criteria provided, single submitter. Criteria: ACMG Guidelines 2015 PMID 25741868. Collection method: clinical testing. Allele origin: germline.
Comment: This variant, located at the canonical splicing site (splice donor), has been observed in gnomAD with an allele frequency of 0.00013%, but has not been reported in ClinVar or identified in the literature. This variant is predicted to disrupt a canonical splice site, potentially leading to exon skipping, mRNA degradation via nonsense-mediated decay (NMD), or production of a truncated protein. According to the currently available evidence, this variant has been classified as uncertain significance (PM2_P).

NM_020759.3(STARD9):c.868+1G>C

Gene: STARD9 (StAR related lipid transfer domain containing 9; plus strand). Cytogenetic location: 15q15.2.
Variant type: single nucleotide variant.
Coding change: c.868+1G>C on transcript NM_020759.3 (MANE Select); the canonical splice donor site of the intron after coding-DNA position 868, G replaced by C.
Molecular consequence: splice donor variant.
Genome position (GRCh38, 1-based): chr15:42,662,892, G>C. VCF-style: chr15-42662892-G-C. GRCh37 (hg19) VCF-style: chr15-42955090-G-C.
Identifiers: ClinVar variation 5002848 (VCV005002848.1).